The following is an entry in ClinVar:

ClinVar aggregate classification (germline): Likely pathogenic (1 of 4 stars; one submission).

Conditions:
Primary ciliary dyskinesia 23 (CILD23). Also called: CILIARY DYSKINESIA, PRIMARY, 23, WITH OR WITHOUT SITUS INVERSUS. Identifiers: Orphanet 244, MedGen C3809548, MONDO:0014193, OMIM 615451.

Submission:

University of Washington Department of Laboratory Medicine, University of Washington
Classification: Likely pathogenic for Primary ciliary dyskinesia 23. Last evaluated: 2023-05-11. Review status: criteria provided, single submitter. Criteria: ACMG Guidelines, 2015. Collection method: clinical testing. Allele origin: maternal. Affected: yes.
Comment: The p.Phe51Ilefs*8 variant in the ODAD2 gene has not been previously reported in association with disease. This variant was absent from large population databases, including the Genome Aggregation Database. The p.Phe51Ilefs*8 variant results in a 1bp duplication in exon 2 of 20 exons, which causes a shift in the protein reading frame, leading to a premature termination codon 8 amino acids downstream. Nonsense-mediated decay resulting in a truncated or absent protein is predicted with this variant. These predictions have not been tested directly. Using ACMG guidelines, this variant was classified as likely pathogenic for autosomal recessive primary ciliary dyskinesia (ACMG evidence codes used: PVS1, PM2_supporting).

NM_018076.5(ODAD2):c.150dup (p.Phe51fs)

Genes: ODAD2 (outer dynein arm docking complex subunit 2; minus strand), LOC126860891 (CDK7 strongly-dependent group 2 enhancer GRCh37_chr10:28283413-28284612; plus strand). Cytogenetic location: 10p12.1.
Variant type: Duplication.
Coding change: c.150dup on transcript NM_018076.5 (MANE Select); coding-DNA position 150, one base duplicated (A; older notation c.150dupA).
Protein change: p.Phe51fs; shifts the reading frame from phenylalanine 51.
Molecular consequence: frameshift variant.
Genome position (GRCh38, 1-based): chr10:27,994,993, T duplicated on the plus strand (A on the coding strand, the reverse complement: ODAD2 is on the minus strand); the first of 4 consecutive T bases (chr10:27,994,993-27,994,996); duplicating any one gives the same sequence. VCF-style (leftmost placement, unchanged base first): chr10-27994992-A-AT. GRCh37 (hg19) VCF-style: chr10-28283921-A-AT.
Other names: c.150dup, p.Phe51fs (NM_001290020.2); short protein forms F51fs.
Identifiers: ClinVar variation 3777133 (VCV003777133.1).